The following is an entry in ClinVar:

ClinVar aggregate classification (germline): Pathogenic/Likely pathogenic. Review status: criteria provided, multiple submitters, no conflicts (2 of 4 stars). 3 submissions from 3 submitters: Pathogenic (1); Likely pathogenic (2). Last evaluated 2024-06-22.

Conditions:
USH2A-related disorder. Also called: USH2A-related disorders; USH2A-related condition. Identifiers: MedGen CN239332.
Usher syndrome type 2A. Also called: USHER SYNDROME, TYPE IIA; RETINAL DISEASE IN USHER SYNDROME TYPE IIA, MODIFIER OF. Identifiers: Orphanet 231178, Orphanet 886, MedGen C1848634, MONDO:0010169, OMIM 276901.

Allele frequency attached by ClinVar (database versions not stated): TOPMed 0.00001.
gnomAD v4.1: 7 of 1,613,944 alleles (0.00043%); highest among the groups gnomAD compares: Non-Finnish European, 0.00059%; no homozygotes.

Submissions (3):

Labcorp Genetics (formerly Invitae), Labcorp
Classification: Likely pathogenic. Last evaluated: 2024-06-22. Review status: criteria provided, single submitter. Criteria: Invitae Variant Classification Sherloc (09022015). Collection method: clinical testing. Allele origin: germline.
Comment: This sequence change replaces tyrosine, which is neutral and polar, with cysteine, which is neutral and slightly polar, at codon 3900 of the USH2A protein (p.Tyr3900Cys). This variant is not present in population databases (gnomAD no frequency). This missense change has been observed in individual(s) with USH2A-related conditions (PMID: 32176120). ClinVar contains an entry for this variant (Variation ID: 812117). Advanced modeling of protein sequence and biophysical properties (such as structural, functional, and spatial information, amino acid conservation, physicochemical variation, residue mobility, and thermodynamic stability) performed at Invitae indicates that this missense variant is expected to disrupt USH2A protein function with a positive predictive value of 95%. In summary, the currently available evidence indicates that the variant is pathogenic, but additional data are needed to prove that conclusively. Therefore, this variant has been classified as Likely Pathogenic.

Blueprint Genetics
Classification: Likely pathogenic for USH2A-related disorders. Last evaluated: 2024-01-12. Review status: criteria provided, single submitter. Criteria: ACMG Guidelines, 2015. Collection method: clinical testing. Allele origin: germline. Affected: yes. Observed: 3 variant alleles.

Centre for Genomic Medicine, Manchester, Central Manchester University Hospitals
Classification: Pathogenic for Usher syndrome type 2A. Last evaluated: 2019-02-01. Review status: criteria provided, single submitter. Criteria: ACMG Guidelines, 2015. Collection method: clinical testing. Allele origin: germline. Affected: yes. Observed: 1 variant allele, 1 compound heterozygote.

Literature cited by the submitters: PubMed 32176120 (cited by Labcorp Genetics (formerly Invitae), Labcorp).

NM_206933.4(USH2A):c.11699A>G (p.Tyr3900Cys)

Gene: USH2A (usherin; minus strand). Cytogenetic location: 1q41.
Variant type: single nucleotide variant.
Coding change: c.11699A>G on transcript NM_206933.4 (MANE Select); coding-DNA position 11699, A replaced by G.
Protein change: p.Tyr3900Cys; replaces tyrosine 3900 with cysteine.
Molecular consequence: missense variant.
Genome position (GRCh38, 1-based): chr1:215,741,387, T>C on the plus strand (A>G on the coding strand, the complement: USH2A is on the minus strand). VCF-style: chr1-215741387-T-C. GRCh37 (hg19) VCF-style: chr1-215914729-T-C.
Other names: short protein forms Y3900C.
Identifiers: ClinVar variation 812117 (VCV000812117.5), dbSNP rs1386612395, ClinGen allele CA344833152.